The following is an entry in ClinVar:

ClinVar aggregate classification (germline): Uncertain significance (1 of 4 stars; one submission).

Conditions:
Perry syndrome. Also called: PARKINSONISM WITH ALVEOLAR HYPOVENTILATION AND MENTAL DEPRESSION. Identifiers: Orphanet 178509, MedGen C1868594, MONDO:0008201, OMIM 168605.
Neuronopathy, distal hereditary motor, type 7B. Also called: HMN VIIB; LOWER MOTOR NEURON DISEASE, DYNACTIN TYPE; NEURONOPATHY, DISTAL HEREDITARY MOTOR, HARDING TYPE VIIB; NEUROPATHY, DISTAL HEREDITARY MOTOR, HARDING TYPE VIIB; NEUROPATHY, DISTAL HEREDITARY MOTOR, WITH VOCAL CORD PARALYSIS, HARDING TYPE VIIB; Distal Hereditary Motor Neuronopathy Type 7B (dHMN7B). Identifiers: Orphanet 139589, MedGen C1843315, MONDO:0011879, OMIM 607641.
Amyotrophic lateral sclerosis type 1 (ALS1). Also called: AMYOTROPHIC LATERAL SCLEROSIS 1, FAMILIAL. Identifiers: Orphanet 803, MedGen C1862939, MONDO:0007103, OMIM 105400.

Submission:

Labcorp Genetics (formerly Invitae), Labcorp
Classification: Uncertain significance for Amyotrophic lateral sclerosis type 1; Neuronopathy, distal hereditary motor, type 7B; Perry syndrome. Last evaluated: 2021-07-06. Review status: criteria provided, single submitter. Criteria: Invitae Variant Classification Sherloc (09022015). Collection method: clinical testing. Allele origin: germline.
Comment: This sequence change replaces glutamine with arginine at codon 842 of the DCTN1 protein (p.Gln842Arg). The glutamine residue is highly conserved and there is a small physicochemical difference between glutamine and arginine. This variant is not present in population databases (ExAC no frequency). This variant has not been reported in the literature in individuals affected with DCTN1-related conditions. Algorithms developed to predict the effect of missense changes on protein structure and function (SIFT, PolyPhen-2, Align-GVGD) all suggest that this variant is likely to be disruptive. In summary, the available evidence is currently insufficient to determine the role of this variant in disease. Therefore, it has been classified as a Variant of Uncertain Significance.

NM_004082.5(DCTN1):c.2525A>G (p.Gln842Arg)

Gene: DCTN1 (dynactin subunit 1; minus strand). Cytogenetic location: 2p13.1.
Variant type: single nucleotide variant.
Coding change: c.2525A>G on transcript NM_004082.5 (MANE Select); coding-DNA position 2525, A replaced by G.
Protein change: p.Gln842Arg; replaces glutamine 842 with arginine.
Molecular consequence: missense variant. On other transcripts: non-coding transcript variant (1).
Genome position (GRCh38, 1-based): chr2:74,366,562, T>C on the plus strand (A>G on the coding strand, the complement: DCTN1 is on the minus strand). VCF-style: chr2-74366562-T-C. GRCh37 (hg19) VCF-style: chr2-74593689-T-C.
Other names: c.2465A>G, p.Gln822Arg (NM_001135040.3); c.2123A>G, p.Gln708Arg (NM_001135041.3, NM_023019.4); c.2414A>G, p.Gln805Arg (NM_001190836.2); c.2504A>G, p.Gln835Arg (NM_001190837.2); c.2474A>G, p.Gln825Arg (NM_001378991.1); c.2456A>G, p.Gln819Arg (NM_001378992.1); short protein forms Q805R, Q819R, Q822R, Q825R, Q842R, Q708R, Q835R.
Identifiers: ClinVar variation 1364236 (VCV001364236.8), dbSNP rs2104415444, ClinGen allele CA347346539.
Genomic context (GRCh38, chr2:74,366,562, plus strand): 5'-AGTAGCCCCTCATTCTCTGCCAGTGGGGCAATGAGCTGGGCAGCAGCAGCTGCCACCTCC[T>C]GCAGCACAGCCACGACCCACGTCAAGTGTTTCCTGCAGTCTAGGAGCGTGTCAGATACCT-3'
Protein context (NP_004073.2, residues 832-852): KHLTWVVAVL[Gln842Arg]EVAAAAAQLI